The following is an entry in ClinVar:

NM_144997.7(FLCN):c.1614C>G (p.Ile538Met)

Gene: FLCN (folliculin; minus strand). Cytogenetic location: 17p11.2.
Variant type: single nucleotide variant.
Coding change: c.1614C>G on transcript NM_144997.7 (MANE Select); coding-DNA position 1614, C replaced by G.
Protein change: p.Ile538Met; replaces isoleucine 538 with methionine.
Molecular consequence: missense variant.
Genome position (GRCh38, 1-based): chr17:17,213,781, G>C on the plus strand (C>G on the coding strand, the complement: FLCN is on the minus strand). VCF-style: chr17-17213781-G-C. GRCh37 (hg19) VCF-style: chr17-17117095-G-C.
Other names: c.1668C>G, p.Ile556Met (NM_001353229.2); c.1614C>G, p.Ile538Met (NM_001353230.2, NM_001353231.2); short protein forms I556M, I538M.
Identifiers: ClinVar variation 3279017 (VCV003279017.1).

ClinVar aggregate classification (germline): Uncertain significance (1 of 4 stars; one submission).

Conditions:
Hereditary cancer-predisposing syndrome. Also called: Tumor predisposition; Hereditary Cancer Syndrome; Hereditary neoplastic syndrome; Neoplastic Syndromes, Hereditary. Identifiers: Orphanet 140162, MedGen C0027672, MeSH D009386, MONDO:0015356.

gnomAD v4.1: 1 of 1,614,246 alleles (0.000062%); highest among the groups gnomAD compares: Non-Finnish European, 0.000085%; no homozygotes.

Submission:

Ambry Genetics
Classification: Uncertain significance for Hereditary cancer-predisposing syndrome. Last evaluated: 2024-03-18. Review status: criteria provided, single submitter. Criteria: Ambry Variant Classification Scheme 2023. Collection method: clinical testing. Allele origin: germline.
Comment: The p.I538M variant (also known as c.1614C>G), located in coding exon 11 of the FLCN gene, results from a C to G substitution at nucleotide position 1614. The isoleucine at codon 538 is replaced by methionine, an amino acid with highly similar properties. This amino acid position is conserved. In addition, this alteration is predicted to be tolerated by in silico analysis. Based on the available evidence, the clinical significance of this alteration remains unclear.